The following is an entry in ClinVar:

NM_001353921.2(ARHGEF9):c.815+5G>C

Gene: ARHGEF9 (Cdc42 guanine nucleotide exchange factor 9; minus strand). Cytogenetic location: Xq11.1.
Variant type: single nucleotide variant.
Coding change: c.815+5G>C on transcript NM_001353921.2 (MANE Select); 5 bases into the intron after coding-DNA position 815, G replaced by C.
Molecular consequence: intron variant.
Genome position (GRCh38, 1-based): chrX:63,678,335, C>G on the plus strand (G>C on the coding strand, the complement: ARHGEF9 is on the minus strand). VCF-style: chrX-63678335-C-G. GRCh37 (hg19) VCF-style: chrX-62898215-C-G.
Other names: c.635+5G>C (NM_001173479.2); c.815+5G>C (NM_001353922.2); c.731+5G>C (NM_001369043.1, NM_001330495.2, NM_001369038.1 and 8 more transcripts); c.833+5G>C (NM_001353923.1); c.614+5G>C (NM_001369040.1, NM_001369039.1, NM_001353926.2 and 1 more transcripts); c.794+5G>C (NM_001369031.1, NM_001369030.1, NM_001369032.1 and 2 more transcripts); c.380+5G>C (NM_001369045.1); c.488+5G>C (NM_001173480.2, NM_001369042.1).
Identifiers: ClinVar variation 947795 (VCV000947795.8), dbSNP rs56239759, ClinGen allele CA1139667597.

ClinVar aggregate classification (germline): Uncertain significance (1 of 4 stars; one submission).

Conditions:
Developmental and epileptic encephalopathy, 8 (DEE8). Also called: HYPEREKPLEXIA AND EPILEPSY. Identifiers: Orphanet 163985, Orphanet 2076, MedGen C1845102, MONDO:0010375, OMIM 300607.

Submission:

Labcorp Genetics (formerly Invitae), Labcorp
Classification: Uncertain significance for Developmental and epileptic encephalopathy, 8. Last evaluated: 2024-02-12. Review status: criteria provided, single submitter. Criteria: Invitae Variant Classification Sherloc (09022015). Collection method: clinical testing. Allele origin: germline.
Comment: This sequence change falls in intron 5 of the ARHGEF9 gene. It does not directly change the encoded amino acid sequence of the ARHGEF9 protein. It affects a nucleotide within the consensus splice site. This variant is not present in population databases (gnomAD no frequency). This variant has not been reported in the literature in individuals affected with ARHGEF9-related conditions. ClinVar contains an entry for this variant (Variation ID: 947795). Variants that disrupt the consensus splice site are a relatively common cause of aberrant splicing (PMID: 17576681, 9536098). Algorithms developed to predict the effect of sequence changes on RNA splicing suggest that this variant is not likely to affect RNA splicing. In summary, the available evidence is currently insufficient to determine the role of this variant in disease. Therefore, it has been classified as a Variant of Uncertain Significance.

Literature cited by the submitters: PubMed 17576681; PubMed 9536098.